The following is an entry in ClinVar:

ClinVar aggregate classification (germline): Benign. Review status: reviewed by expert panel (3 of 4 stars). 7 submissions from 7 submitters: Benign (1). 6 of the submissions do not count toward it. Last evaluated 2017-05-09.

Conditions:
Cardiovascular phenotype. Identifiers: MedGen CN230736.
RASopathy. Also called: rasopathies; Noonan spectrum disorder. Identifiers: Orphanet 536391, MedGen C5555857, MONDO:0021060.

Allele frequency attached by ClinVar (database versions not stated): 1000 Genomes Project 0.00040; ESP Exome Variant Server 0.00046; 1000 Genomes Project 30x 0.00047; TOPMed 0.00049.
gnomAD v4.1: 202 of 1,582,646 alleles (0.013%); highest among the groups gnomAD compares: African/African-American, 0.11%; 2 homozygotes.

Submissions (7):

ClinGen RASopathy Variant Curation Expert Panel
Classification: Benign for Noonan syndrome and Noonan-related syndrome. Last evaluated: 2017-05-09. Review status: reviewed by expert panel. Criteria: ClinGen RASopathy ACMG Specifications v1. Collection method: curation. Allele origin: germline. Inheritance: Autosomal dominant inheritance.
Comment: The filtering allele frequency of the c.546G>A (p.Ala182=) variant in the MAP2K2 gene is 0.083% (7/3952) of African chromosomes by the Exome Aggregation Consortium, which is a high enough frequency to be classified as benign based on thresholds defined by the ClinGen RASopathy Expert Panel (BA1; PMID:29493581)

Labcorp Genetics (formerly Invitae), Labcorp
Classification: Likely benign for RASopathy. Last evaluated: 2026-01-27. Review status: criteria provided, single submitter. Criteria: Invitae Variant Classification Sherloc (09022015). Collection method: clinical testing. Allele origin: germline. Not counted in ClinVar's aggregate classification.

Mayo Clinic Laboratories, Mayo Clinic
Classification: Benign. Last evaluated: 2025-08-12. Review status: criteria provided, single submitter. Criteria: ACMG Guidelines, 2015. Collection method: clinical testing. Allele origin: germline. Observed: 1 variant allele. Not counted in ClinVar's aggregate classification.
Comment: BA1, BS2, BP4, BP7

Blueprint Genetics
Classification: Likely benign. Last evaluated: 2023-11-06. Review status: criteria provided, single submitter. Criteria: ACMG Guidelines, 2015. Collection method: clinical testing. Allele origin: germline. Not counted in ClinVar's aggregate classification.

Ambry Genetics
Classification: Likely benign for Cardiovascular phenotype. Last evaluated: 2022-02-17. Review status: criteria provided, single submitter. Criteria: Ambry Variant Classification Scheme 2023. Collection method: clinical testing. Allele origin: germline. Not counted in ClinVar's aggregate classification.

GeneDx
Classification: Benign. Last evaluated: 2013-08-04. Review status: criteria provided, single submitter. Criteria: GeneDx Variant Classification (06012015). Collection method: clinical testing. Allele origin: germline. Affected: yes. Not counted in ClinVar's aggregate classification.
Comment: This variant is considered likely benign or benign based on one or more of the following criteria: it is a conservative change, it occurs at a poorly conserved position in the protein, it is predicted to be benign by multiple in silico algorithms, and/or has population frequency not consistent with disease.

PreventionGenetics, part of Exact Sciences
Classification: Likely benign. Review status: criteria provided, single submitter. Criteria: ACMG Guidelines, 2015. Collection method: clinical testing. Allele origin: germline. Not counted in ClinVar's aggregate classification.

NM_030662.4(MAP2K2):c.546G>A (p.Ala182=)

Gene: MAP2K2 (mitogen-activated protein kinase kinase 2; minus strand). Cytogenetic location: 19p13.3.
Variant type: single nucleotide variant.
Coding change: c.546G>A on transcript NM_030662.4 (MANE Select); coding-DNA position 546, G replaced by A.
Protein change: p.Ala182=; no amino-acid change (alanine 182 retained).
Molecular consequence: synonymous variant.
Genome position (GRCh38, 1-based): chr19:4,101,263, C>T on the plus strand (G>A on the coding strand, the complement: MAP2K2 is on the minus strand). VCF-style: chr19-4101263-C-T. GRCh37 (hg19) VCF-style: chr19-4101261-C-T.
Other names: p.A182A:GCG>GCA; NM_030662.3(MAP2K2):c.546G>A.
Identifiers: ClinVar variation 138158 (VCV000138158.17), dbSNP rs141402203, ClinGen allele CA291993.
Genomic context (GRCh38, chr19:4,101,263, plus strand): 5'-TCTGGGGAGGGCGGGCTGGGCCTTACCTCGGTGCATGATCTGGTGCTTCTCTCGGAGGTA[C>T]GCCAAGCCCCGGAGAACCTGCAGGGGAGCGCGGAGGGAGTCACGGGACAAGGCCACCAGG-3'
Protein context (NP_109587.1, residues 172-192): KVSIAVLRGL[Ala182=]YLREKHQIMH